The following is an entry in ClinVar:

ClinVar aggregate classification (germline): Uncertain significance (1 of 4 stars; one submission).

Conditions:
Primary ciliary dyskinesia. Also called: Ciliary dyskinesia. Identifiers: Orphanet 244, MedGen C0008780, MONDO:0016575, HP:0012265.

Submission:

Labcorp Genetics (formerly Invitae), Labcorp
Classification: Uncertain significance for Primary ciliary dyskinesia. Last evaluated: 2021-08-26. Review status: criteria provided, single submitter. Criteria: Invitae Variant Classification Sherloc (09022015). Collection method: clinical testing. Allele origin: germline.
Comment: This sequence change replaces alanine with valine at codon 341 of the DNAH5 protein (p.Ala341Val). The alanine residue is highly conserved and there is a small physicochemical difference between alanine and valine. This variant is not present in population databases (ExAC no frequency). This variant has not been reported in the literature in individuals affected with DNAH5-related conditions. Algorithms developed to predict the effect of missense changes on protein structure and function are either unavailable or do not agree on the potential impact of this missense change (SIFT: "Deleterious"; PolyPhen-2: "Possibly Damaging"; Align-GVGD: "Class C0"). Algorithms developed to predict the effect of sequence changes on RNA splicing suggest that this variant may create or strengthen a splice site. In summary, the available evidence is currently insufficient to determine the role of this variant in disease. Therefore, it has been classified as a Variant of Uncertain Significance.

NM_001369.3(DNAH5):c.1022C>T (p.Ala341Val)

Gene: DNAH5 (dynein axonemal heavy chain 5; minus strand). Cytogenetic location: 5p15.2.
Variant type: single nucleotide variant.
Coding change: c.1022C>T on transcript NM_001369.3 (MANE Select); coding-DNA position 1022, C replaced by T.
Protein change: p.Ala341Val; replaces alanine 341 with valine.
Molecular consequence: missense variant.
Genome position (GRCh38, 1-based): chr5:13,917,210, G>A on the plus strand (C>T on the coding strand, the complement: DNAH5 is on the minus strand). VCF-style: chr5-13917210-G-A. GRCh37 (hg19) VCF-style: chr5-13917319-G-A.
Other names: short protein forms A341V.
Identifiers: ClinVar variation 857045 (VCV000857045.6), dbSNP rs1776738425, ClinGen allele CA359217982.